The following is an entry in ClinVar:

NM_153676.4(USH1C):c.104+5G>C

Gene: USH1C (USH1 protein network component harmonin; minus strand). Cytogenetic location: 11p15.1.
Variant type: single nucleotide variant.
Coding change: c.104+5G>C on transcript NM_153676.4 (MANE Select); 5 bases into the intron after coding-DNA position 104, G replaced by C.
Molecular consequence: intron variant.
Genome position (GRCh38, 1-based): chr11:17,533,250, C>G on the plus strand (G>C on the coding strand, the complement: USH1C is on the minus strand). VCF-style: chr11-17533250-C-G. GRCh37 (hg19) VCF-style: chr11-17554797-C-G.
Other names: NM_005709.2:c.104+5G>C; c.104+5G>C (NM_001297764.2, NM_005709.4).
Identifiers: ClinVar variation 1334119 (VCV001334119.9), dbSNP rs2133927984, ClinGen allele CA2573053463.

ClinVar aggregate classification (germline): Conflicting classifications of pathogenicity. Review status: criteria provided, conflicting classifications (1 of 4 stars). 5 submissions from 5 submitters: Likely pathogenic (4); Uncertain significance (1). Last evaluated 2025-03-07.

Conditions:
Usher syndrome type 1C. Also called: USHER SYNDROME, TYPE I, ACADIAN VARIETY. Identifiers: Orphanet 231169, Orphanet 886, MedGen C1848604, MONDO:0010171, OMIM 276904.
Autosomal recessive nonsyndromic hearing loss 18A. Also called: DEAFNESS, AUTOSOMAL RECESSIVE 18; Deafness, autosomal recessive 18A. Identifiers: Orphanet 90636, MedGen C1865870, MONDO:0011192, OMIM 602092.

Submissions (5):

3billion
Classification: Likely pathogenic for Usher syndrome type 1C. Last evaluated: 2025-03-07. Review status: criteria provided, single submitter. Criteria: ACMG Guidelines, 2015. Collection method: clinical testing. Allele origin: germline. Affected: yes.
Comment: The variant is not observed in the gnomAD v4.1.0 dataset. Predicted Consequence/Location: Intron variant In silico tools predict the variant to alter splicing and produce an abnormal transcript [SpliceAI: 0.97 (>=0.2, moderate evidence for spliceogenicity)]. The variant has been reported at least twice as pathogenic with clinical assertions and evidence for the classification (ClinVar ID: VCV001334119 /PMID: 32747562). Therefore, this variant is classified as Likely pathogenic according to the recommendation of ACMG/AMP guideline.

Baylor Genetics
Classification: Likely pathogenic for Autosomal recessive nonsyndromic hearing loss 18A. Last evaluated: 2024-02-07. Review status: criteria provided, single submitter. Criteria: ACMG Guidelines, 2015. Collection method: clinical testing. Allele origin: unknown.

Labcorp Genetics (formerly Invitae), Labcorp
Classification: Likely pathogenic. Last evaluated: 2022-11-21. Review status: criteria provided, single submitter. Criteria: Invitae Variant Classification Sherloc (09022015). Collection method: clinical testing. Allele origin: germline.
Comment: Variants that disrupt the consensus splice site are a relatively common cause of aberrant splicing (PMID: 17576681, 9536098). Algorithms developed to predict the effect of sequence changes on RNA splicing suggest that this variant may disrupt the consensus splice site. In summary, the currently available evidence indicates that the variant is pathogenic, but additional data are needed to prove that conclusively. Therefore, this variant has been classified as Likely Pathogenic. ClinVar contains an entry for this variant (Variation ID: 1334119). This variant has been observed in individual(s) with autosomal recessive deafness and/or Usher syndrome (PMID: 32747562). This variant is not present in population databases (gnomAD no frequency). This sequence change falls in intron 2 of the USH1C gene. It does not directly change the encoded amino acid sequence of the USH1C protein. It affects a nucleotide within the consensus splice site.

King Laboratory, University of Washington
Classification: Likely pathogenic for Autosomal recessive nonsyndromic hearing loss 18A. Last evaluated: 2020-08-01. Review status: criteria provided, single submitter. Criteria: Abu Rayyan A et al. (Proc Natl Acad Sci U S A 2020). Collection method: research. Allele origin: germline. Affected: yes.
Comment: USH1C c.104+5G>C is predicted to disrupt the splice donor of exon 2, leading to transcriptional loss of 68bp and a stop at codon 29 (Abu Rayyan 2020). This variant is homozygous 4 children from 2 Palestininan families with pre-lingual severe to profound hearing loss. It is absent from 1300 Palestinian controls and from gnomAD v2.1.1.

Juno Genomics, Hangzhou Juno Genomics, Inc
Classification: Uncertain significance for Autosomal recessive nonsyndromic hearing loss 18A; Usher syndrome type 1C. Review status: criteria provided, single submitter. Criteria: ACMG Guidelines, 2015. Collection method: clinical testing. Allele origin: germline.
Comment: Absent from controls (or at extremely low frequency if recessive) in Genome Aggregation Database.;For recessive disorders, detected in trans with a pathogenic variant.;Multiple lines of computational evidence support a deleterious effect on the gene or gene product.

Literature cited by the submitters: PubMed 32747562 (cited by 3billion and Labcorp Genetics (formerly Invitae), Labcorp); PubMed 17576681 (cited by Labcorp Genetics (formerly Invitae), Labcorp); PubMed 9536098 (cited by Labcorp Genetics (formerly Invitae), Labcorp).